The following is an entry in ClinVar:

ClinVar aggregate classification (germline): Uncertain significance (1 of 4 stars; one submission).

Conditions:
Polycystic kidney disease, adult type (PKD1). Also called: POLYCYSTIC KIDNEY DISEASE 1 WITH OR WITHOUT POLYCYSTIC LIVER DISEASE; POLYCYSTIC KIDNEY DISEASE, ADULT, TYPE I; Polycystic Kidney, Autosomal Dominant; Polycystic Kidney Disease 1, Autosomal Dominant; Polycystic kidney disease 1; Polycystic kidney disease 1, severe. Identifiers: MedGen C3149841, MONDO:0008263, OMIM 173900.

gnomAD v4.1: 5 of 1,612,658 alleles (0.00031%); highest among the groups gnomAD compares: East Asian, 0.011%; no homozygotes.

Submission:

3billion
Classification: Uncertain significance for Polycystic kidney disease, adult type. Last evaluated: 2025-01-08. Review status: criteria provided, single submitter. Criteria: ACMG Guidelines, 2015. Collection method: clinical testing. Allele origin: germline. Affected: yes.
Comment: The variant is observed at an extremely low frequency in the gnomAD v4.1.0 dataset (total allele frequency: <0.001%). Predicted Consequence/Location: Missense variant The same nucleotide change resulting in the same amino acid change has been previously reported to be associated with PKD1-related disorder (PMID: 35620448). However, the evidence of pathogenicity is insufficient at this time. Therefore, this variant is classified as VUS according to the recommendation of ACMG/AMP guideline.

Literature cited by the submitters: PubMed 35620448.

NM_001009944.3(PKD1):c.4817C>G (p.Thr1606Ser)

Gene: PKD1 (polycystin 1, transient receptor potential channel interacting; minus strand). Cytogenetic location: 16p13.3.
Variant type: single nucleotide variant.
Coding change: c.4817C>G on transcript NM_001009944.3 (MANE Select); coding-DNA position 4817, C replaced by G.
Protein change: p.Thr1606Ser; replaces threonine 1606 with serine.
Molecular consequence: missense variant.
Genome position (GRCh38, 1-based): chr16:2,110,350, G>C on the plus strand (C>G on the coding strand, the complement: PKD1 is on the minus strand). VCF-style: chr16-2110350-G-C. GRCh37 (hg19) VCF-style: chr16-2160351-G-C.
Other names: c.4817C>G, p.Thr1606Ser (NM_000296.4); short protein forms T1606S.
Identifiers: ClinVar variation 4294081 (VCV004294081.1).